The following is an entry in ClinVar:

ClinVar aggregate classification (germline): Conflicting classifications of pathogenicity. Review status: criteria provided, conflicting classifications (1 of 4 stars). 3 submissions from 3 submitters: Uncertain significance (2); Likely benign (1). Last evaluated 2023-11-13.

Conditions:
Breast-ovarian cancer, familial, susceptibility to, 1 (BROVCA1). Also called: BRCA1 Hereditary Breast and Ovarian Cancer; OVARIAN CANCER, SUSCEPTIBILITY TO. Identifiers: Orphanet 145, MedGen C2676676, MONDO:0011450, OMIM 604370. Disease mechanism: loss of function.
Hereditary cancer-predisposing syndrome. Also called: Tumor predisposition; Hereditary Cancer Syndrome; Hereditary neoplastic syndrome; Neoplastic Syndromes, Hereditary. Identifiers: Orphanet 140162, MedGen C0027672, MeSH D009386, MONDO:0015356.
Hereditary breast ovarian cancer syndrome. Also called: Hereditary breast and ovarian cancer syndrome; Hereditary breast and ovarian cancer syndrome (HBOC); Breast and ovarian cancer; Hereditary breast and ovarian cancer; Hereditary breast and/or ovarian cancer syndrome; BRCA1- and BRCA2-Associated Hereditary Breast and Ovarian Cancer. Identifiers: Orphanet 145, MedGen C0677776, MeSH D061325, MONDO:0003582. Disease mechanism: loss of function.

gnomAD v4.1: 1 of 1,613,872 alleles (0.000062%); highest among the groups gnomAD compares: East Asian, 0.0022%; no homozygotes.

Submissions (3):

Myriad Genetics, Inc.
Classification: Likely benign for Breast-ovarian cancer, familial, susceptibility to, 1. Last evaluated: 2023-11-13. Review status: criteria provided, single submitter. Criteria: Myriad Autosomal Dominant, Autosomal Recessive and X-Linked Classification Criteria (2023). Collection method: clinical testing. Allele origin: unknown.
Comment: This variant is considered likely benign. Homozygosity has been confirmed in one or more individuals. As homozygosity for pathogenic variants in this gene is generally assumed to result in embryonic lethality, this variant is unlikely to be pathogenic.

Ambry Genetics
Classification: Uncertain significance for Hereditary cancer-predisposing syndrome. Last evaluated: 2022-05-06. Review status: criteria provided, single submitter. Criteria: Ambry Variant Classification Scheme 2023. Collection method: clinical testing. Allele origin: germline.
Comment: The p.R166S variant (also known as c.498G>C), located in coding exon 6 of the BRCA1 gene, results from a G to C substitution at nucleotide position 498. The arginine at codon 166 is replaced by serine, an amino acid with dissimilar properties. This alteration was not observed in 53 unselected male breast cancer patients and was observed with an allele frequency of 0.0001 in 12,490 male controls of Japanese ancestry (Momozawa Y et al. Nat Commun, 2018 10;9:4083). This amino acid position is well conserved in available vertebrate species. In addition, this alteration is predicted to be deleterious by in silico analysis. Since supporting evidence is limited at this time, the clinical significance of this alteration remains unclear.

Labcorp Genetics (formerly Invitae), Labcorp
Classification: Uncertain significance for Hereditary breast ovarian cancer syndrome. Last evaluated: 2014-02-20. Review status: criteria provided, single submitter. Criteria: Invitae Variant Classification Sherloc (09022015). Collection method: clinical testing. Allele origin: germline.
Comment: This substitution affects a moderately conserved amino acid. Indirect and predictive evidence return conflicting suggestions regarding the impact of this sequence change on protein function. Algorithms developed to predict the effect of missense changes on protein structure and function (SIFT, MutationTaster, AlignGVGD) return conflicting predictions. This sequence change has not been reported in affected patients and has not been reported as a common polymorphism in the population.

Literature cited by the submitters: PubMed 30287823 (cited by Ambry Genetics).

NM_007294.4(BRCA1):c.498G>C (p.Arg166Ser)

Gene: BRCA1 (BRCA1 DNA repair associated; minus strand). Cytogenetic location: 17q21.31.
Variant type: single nucleotide variant.
Coding change: c.498G>C on transcript NM_007294.4 (MANE Select); coding-DNA position 498, G replaced by C.
Protein change: p.Arg166Ser; replaces arginine 166 with serine.
Molecular consequence: missense variant. On other transcripts: non-coding transcript variant (1).
Genome position (GRCh38, 1-based): chr17:43,099,824, C>G on the plus strand (G>C on the coding strand, the complement: BRCA1 is on the minus strand). VCF-style: chr17-43099824-C-G. GRCh37 (hg19) VCF-style: chr17-41251841-C-G.
Other names: c.285G>C, p.Arg95Ser (NM_001407571.1, NM_001407853.1, NM_001407894.1 and 18 more transcripts); c.498G>C, p.Arg166Ser (NM_001407581.1, NM_001407582.1, NM_001407583.1 and 97 more transcripts); c.495G>C, p.Arg165Ser (NM_001407587.1, NM_001407590.1, NM_001407591.1 and 65 more transcripts); c.489G>C, p.Arg163Ser (NM_001407646.1, NM_001407647.1, NM_001408408.1); c.420G>C, p.Arg140Ser (NM_001407653.1, NM_001407654.1, NM_001407655.1 and 12 more transcripts); c.417G>C, p.Arg139Ser (NM_001407659.1, NM_001407660.1, NM_001407661.1 and 6 more transcripts); c.357G>C, p.Arg119Ser (NM_001407692.1, NM_001407694.1, NM_001407695.1 and 61 more transcripts); c.354G>C, p.Arg118Ser (NM_001407740.1, NM_001407741.1, NM_001407742.1 and 35 more transcripts); and 4 more; short protein forms R119S, R166S, R118S, R163S, R38S, R96S, R121S, R139S.
Identifiers: ClinVar variation 1020068 (VCV001020068.13), dbSNP rs1474499188, ClinGen allele CA10601146.